The following is an entry in ClinVar:

ClinVar aggregate classification (germline): Likely pathogenic (1 of 4 stars; one submission).

Conditions:
Epilepsy, familial focal, with variable foci 3 (FFEVF3). Identifiers: MedGen C4310708, MONDO:0014925, OMIM 617118.

Submission:

Labcorp Genetics (formerly Invitae), Labcorp
Classification: Likely pathogenic for Epilepsy, familial focal, with variable foci 3. Last evaluated: 2024-04-06. Review status: criteria provided, single submitter. Criteria: Invitae Variant Classification Sherloc (09022015). Collection method: clinical testing. Allele origin: germline.
Comment: This sequence change affects a donor splice site in intron 6 of the NPRL3 gene. It is expected to disrupt RNA splicing. Variants that disrupt the donor or acceptor splice site typically lead to a loss of protein function (PMID: 16199547), and loss-of-function variants in NPRL3 are known to be pathogenic (PMID: 26285051, 26505888). This variant is not present in population databases (gnomAD no frequency). Disruption of this splice site has been observed in individual(s) with focal seizures (Invitae). Algorithms developed to predict the effect of sequence changes on RNA splicing suggest that this variant may disrupt the consensus splice site. In summary, the currently available evidence indicates that the variant is pathogenic, but additional data are needed to prove that conclusively. Therefore, this variant has been classified as Likely Pathogenic.

Literature cited by the submitters: PubMed 16199547; PubMed 26285051; PubMed 26505888.

NM_001077350.3(NPRL3):c.547+2T>A

Genes: HBA-LCR (alpha-globin locus control region; plus strand), NPRL3 (NPR3 like, GATOR1 complex subunit; minus strand). Cytogenetic location: 16p13.3.
Variant type: single nucleotide variant.
Coding change: c.547+2T>A on transcript NM_001077350.3 (MANE Select); the canonical splice donor site of the intron after coding-DNA position 547, T replaced by A.
Molecular consequence: splice donor variant.
Genome position (GRCh38, 1-based): chr16:112,620, A>T on the plus strand (T>A on the coding strand, the complement: NPRL3 is on the minus strand). VCF-style: chr16-112620-A-T. GRCh37 (hg19) VCF-style: chr16-162619-A-T.
Other names: c.313+2T>A (NM_001243247.2); c.472+2T>A (NM_001243248.2, NM_001243249.2); c.10+2T>A (NM_001039476.3).
Identifiers: ClinVar variation 2743201 (VCV002743201.3), dbSNP rs2542855939, ClinGen allele CA393993497.